The following is an entry in ClinVar:

NM_024870.4(PREX2):c.4775+10T>A

Gene: PREX2 (phosphatidylinositol-3,4,5-trisphosphate dependent Rac exchange factor 2; plus strand). Cytogenetic location: 8q13.2.
Variant type: single nucleotide variant.
Coding change: c.4775+10T>A on transcript NM_024870.4 (MANE Select); 10 bases into the intron after coding-DNA position 4775, T replaced by A.
Molecular consequence: intron variant.
Genome position (GRCh38, 1-based): chr8:68,224,636, T>A. VCF-style: chr8-68224636-T-A. GRCh37 (hg19) VCF-style: chr8-69136871-T-A.
Identifiers: ClinVar variation 3059638 (VCV003059638.2), dbSNP rs940664, ClinGen allele CA4774894.
Genomic context (GRCh38, chr8:68,224,636, plus strand): 5'-CACAGCGAAGAATTTGGGAGTCAGAGACCGGACTCCACAGTCTGCACCAAGGTAAGTGCA[T>A]CCCCTGCTCTGCCCTTGCCCGAAAGATTTGCCAGCATTTTCCCCGGCAGTGTCCCTCCGC-3'

ClinVar aggregate classification (germline): Benign (0 of 4 stars; one submission).

Conditions:
PREX2-related disorder. Also called: PREX2-related condition.

Allele frequency attached by ClinVar (database versions not stated): ESP Exome Variant Server 0.22913; gnomAD 0.25889; TOPMed 0.26267; 1000 Genomes Project 30x 0.30434; 1000 Genomes Project 0.31310; ExAC 0.32220.
gnomAD v4.1: 464,299 of 1,602,640 alleles (29%); highest among the groups gnomAD compares: South Asian, 45%; 71,712 homozygotes.

Submission:

PreventionGenetics, part of Exact Sciences
Classification: Benign for PREX2-related condition. Last evaluated: 2019-10-17. Review status: no assertion criteria provided. Collection method: clinical testing. Allele origin: germline.
Comment: This variant is classified as benign based on ACMG/AMP sequence variant interpretation guidelines (Richards et al. 2015 PMID: 25741868, with internal and published modifications).